The following is an entry in ClinVar:

NM_001199107.2(TBC1D24):c.397G>A (p.Ala133Thr)

Gene: TBC1D24 (TBC1 domain family member 24; plus strand). Cytogenetic location: 16p13.3.
Variant type: single nucleotide variant.
Coding change: c.397G>A on transcript NM_001199107.2 (MANE Select); coding-DNA position 397, G replaced by A.
Protein change: p.Ala133Thr; replaces alanine 133 with threonine.
Molecular consequence: missense variant.
Genome position (GRCh38, 1-based): chr16:2,496,545, G>A. VCF-style: chr16-2496545-G-A. GRCh37 (hg19) VCF-style: chr16-2546546-G-A.
Other names: c.397G>A, p.Ala133Thr (NM_020705.3); short protein forms A133T.
Identifiers: ClinVar variation 858483 (VCV000858483.9), dbSNP rs770787878, ClinGen allele CA7843992.

ClinVar aggregate classification (germline): Uncertain significance. Review status: criteria provided, multiple submitters, no conflicts (2 of 4 stars). 2 submissions from 2 submitters: Uncertain significance (2). Last evaluated 2025-08-11.

Conditions:
Inborn genetic diseases. Identifiers: MedGen C0950123, MeSH D030342.
Developmental and epileptic encephalopathy, 1 (DEE1). Also called: INFANTILE SPASM SYNDROME, X-LINKED 1; X-linked infantile spasms; West's syndrome; Tonic spasms with clustering, arrest of psychomotor development and hypsarrhythmia on EEG; X-Linked Infantile Spasm Syndrome; OHTAHARA SYNDROME, X-LINKED. Identifiers: MedGen C3463992, MONDO:0010632, OMIM 308350. Disease mechanism: loss of function.
Autosomal dominant nonsyndromic hearing loss 65. Also called: TBC1D24-Related Autosomal Dominant Nonsyndromic Hearing Loss (DFNA); Deafness, autosomal dominant 65. Identifiers: Orphanet 90635, MedGen C3892048, MONDO:0014470, OMIM 616044.

Allele frequency attached by ClinVar (database versions not stated): ExAC 0.00002; gnomAD 0.00001.
gnomAD v4.1: 13 of 1,608,208 alleles (0.00081%); highest among the groups gnomAD compares: African/African-American, 0.0053%; no homozygotes.

Submissions (2):

Ambry Genetics
Classification: Uncertain significance for Inborn genetic diseases. Last evaluated: 2025-08-11. Review status: criteria provided, single submitter. Criteria: Ambry Variant Classification Scheme 2023. Collection method: clinical testing. Allele origin: germline.

Labcorp Genetics (formerly Invitae), Labcorp
Classification: Uncertain significance for Developmental and epileptic encephalopathy, 1; Autosomal dominant nonsyndromic hearing loss 65. Last evaluated: 2023-08-04. Review status: criteria provided, single submitter. Criteria: Invitae Variant Classification Sherloc (09022015). Collection method: clinical testing. Allele origin: germline.
Comment: Advanced modeling of protein sequence and biophysical properties (such as structural, functional, and spatial information, amino acid conservation, physicochemical variation, residue mobility, and thermodynamic stability) performed at Invitae indicates that this missense variant is not expected to disrupt TBC1D24 protein function. This sequence change replaces alanine, which is neutral and non-polar, with threonine, which is neutral and polar, at codon 133 of the TBC1D24 protein (p.Ala133Thr). This variant is present in population databases (rs770787878, gnomAD 0.01%). This variant has not been reported in the literature in individuals affected with TBC1D24-related conditions. ClinVar contains an entry for this variant (Variation ID: 858483). In summary, the available evidence is currently insufficient to determine the role of this variant in disease. Therefore, it has been classified as a Variant of Uncertain Significance.